The following is an entry in ClinVar:

ClinVar aggregate classification (germline): Uncertain significance. Review status: criteria provided, multiple submitters, no conflicts (2 of 4 stars). 2 submissions from 2 submitters: Uncertain significance (2). Last evaluated 2023-06-01.

Conditions:
Inborn genetic diseases. Identifiers: MedGen C0950123, MeSH D030342.

Allele frequency attached by ClinVar (database versions not stated): gnomAD exomes 0.00001; ExAC 0.00006.

Submissions (2):

CeGaT Center for Human Genetics Tuebingen
Classification: Uncertain significance. Last evaluated: 2023-06-01. Review status: criteria provided, single submitter. Criteria: CeGaT Center For Human Genetics Tuebingen Variant Classification Criteria Version 2. Collection method: clinical testing. Allele origin: germline. Affected: yes. Observed: 2 variant alleles.
Comment: SHANK3: PP2, BP4

Ambry Genetics
Classification: Uncertain significance for Inborn genetic diseases. Last evaluated: 2019-09-17. Review status: criteria provided, single submitter. Criteria: Ambry Variant Classification Scheme 2023. Collection method: clinical testing. Allele origin: germline.
Comment: The p.P1268S variant (also known as c.3802C>T), located in coding exon 21 of the SHANK3 gene, results from a C to T substitution at nucleotide position 3802. The proline at codon 1268 is replaced by serine, an amino acid with similar properties. This amino acid position is poorly conserved in available vertebrate species. Since supporting evidence is limited at this time, the clinical significance of this alteration remains unclear.

NM_001372044.2(SHANK3):c.4027C>T (p.Pro1343Ser)

Gene: SHANK3 (SH3 and multiple ankyrin repeat domains 3; plus strand). Cytogenetic location: 22q13.33.
Variant type: single nucleotide variant.
Coding change: c.4027C>T on transcript NM_001372044.2 (MANE Select); coding-DNA position 4027, C replaced by T.
Protein change: p.Pro1343Ser; replaces proline 1343 with serine.
Molecular consequence: missense variant.
Genome position (GRCh38, 1-based): chr22:50,721,635, C>T. VCF-style: chr22-50721635-C-T. GRCh37 (hg19) VCF-style: chr22-51160063-C-T.
Other names: c.3802C>T, p.Pro1268Ser (NM_033517.1); short protein forms P1343S, P1268S.
Identifiers: ClinVar variation 1735080 (VCV001735080.26), dbSNP rs770689318, ClinGen allele CA10326146.
Genomic context (GRCh38, chr22:50,721,635, plus strand): 5'-GCAGAGCCCCTGCCCAGCCCCCGGGCCCAGCCCCCTGGTGGCACCCCGGCAGACGCCGGG[C>T]CAGGCCAGGGCAGCTCAGAGGAAGAGCCAGAGCTGGTGTTTGCTGTGAACCTGCCACCTG-3'
Protein context (NP_001358973.1, residues 1333-1353): PPGGTPADAG[Pro1343Ser]GQGSSEEEPE